The following is an entry in ClinVar:

ClinVar aggregate classification (germline): Uncertain significance (1 of 4 stars; one submission).

Submission:

GeneDx
Classification: Uncertain significance. Last evaluated: 2024-08-20. Review status: criteria provided, single submitter. Criteria: GeneDx Variant Classification Process June 2021. Collection method: clinical testing. Allele origin: germline. Affected: yes.
Comment: Not observed at significant frequency in large population cohorts (gnomAD); In silico analysis supports that this missense variant has a deleterious effect on protein structure/function; Has not been previously published as pathogenic or benign to our knowledge

NM_022575.4(VPS16):c.1811A>C (p.Tyr604Ser)

Genes: PTPRA (protein tyrosine phosphatase receptor type A; plus strand), VPS16 (VPS16 core subunit of CORVET and HOPS complexes; plus strand). Cytogenetic location: 20p13.
Variant type: single nucleotide variant.
Coding change: c.1811A>C on transcript NM_022575.4 (MANE Select); coding-DNA position 1811, A replaced by C.
Protein change: p.Tyr604Ser; replaces tyrosine 604 with serine.
Molecular consequence: missense variant. On other transcripts: 5 prime UTR variant (1).
Genome position (GRCh38, 1-based): chr20:2,864,455, A>C. VCF-style: chr20-2864455-A-C. GRCh37 (hg19) VCF-style: chr20-2845101-A-C.
Other names: c.-492A>C (NM_002836.4); c.1379A>C, p.Tyr460Ser (NM_080413.3); short protein forms Y460S, Y604S.
Identifiers: ClinVar variation 3764449 (VCV003764449.1).
Genomic context (GRCh38, chr20:2,864,455, plus strand): 5'-AGCTGAACCGAGGAGATTTTTTCATGACCCTTCGGAATCAGCCCATGGCCCTCAGTTTGT[A>C]CCGACAGGTGTGTGTAGTGGGCAGGGTTGTGGTGTAGCCTTCTGAGCACTTGAGTTGGCC-3'
Protein context (NP_072097.2, residues 594-614): LRNQPMALSL[Tyr604Ser]RQFCKHQELE